The following is an entry in ClinVar:

ClinVar aggregate classification (germline): Likely benign (1 of 4 stars; one submission).

Allele frequency attached by ClinVar (database versions not stated): 1000 Genomes Project 0.00379.

Submission:

CeGaT Center for Human Genetics Tuebingen
Classification: Likely benign. Last evaluated: 2023-08-01. Review status: criteria provided, single submitter. Criteria: CeGaT Center For Human Genetics Tuebingen Variant Classification Criteria Version 2. Collection method: clinical testing. Allele origin: germline. Affected: yes. Observed: 1 variant allele.
Comment: MUC4: BP4, BP7

NM_018406.7(MUC4):c.8343C>T (p.His2781=)

Gene: MUC4 (mucin 4, cell surface associated). Cytogenetic location: 3q29.
Variant type: single nucleotide variant.
Coding change: c.8343C>T on transcript NM_018406.7 (MANE Select); coding-DNA position 8343, C replaced by T.
Protein change: p.His2781=; no amino-acid change (histidine 2781 retained).
Molecular consequence: synonymous variant. On other transcripts: no sequence alteration (1), genic upstream transcript variant (2).
Genome position (GRCh38, 1-based): chr3:195,783,237, G>A on the plus strand (C>T on the coding strand, the complement: MUC4 is on the minus strand). VCF-style: chr3-195783237-G-A. GRCh37 (hg19) VCF-style: chr3-195510108-G-A.
Other names: c.12150=, p.His4050= (NM_001322468.1); c.83-8932C>T (NM_138297.5); c.83-4782C>T (NM_004532.6).
Identifiers: ClinVar variation 2654445 (VCV002654445.24), dbSNP rs879571942, ClinGen allele CA2771618.
Genomic context (GRCh38, chr3:195,783,237, plus strand): 5'-AAGAGGGGTGGTGTGACCTGTGGATGCTGAGGAAGGGCTGGTGACATGAAGAGGGGTGGC[G>A]TGACCTGTGGATACTGAGGAAGTGTTGGTGACAGGAAGAGGGGTGGCGTGACCTGTGGAT-3'
Protein context (NP_060876.5, residues 2771-2791): VTNTSSVSTG[His2781=]ATPLHVTSPS